The following is an entry in ClinVar:

NM_004995.4(MMP14):c.1028G>T (p.Arg343Leu)

Gene: MMP14 (matrix metallopeptidase 14; plus strand). Cytogenetic location: 14q11.2.
Variant type: single nucleotide variant.
Coding change: c.1028G>T on transcript NM_004995.4 (MANE Select); coding-DNA position 1028, G replaced by T.
Protein change: p.Arg343Leu; replaces arginine 343 with leucine.
Molecular consequence: missense variant.
Genome position (GRCh38, 1-based): chr14:22,844,387, G>T. VCF-style: chr14-22844387-G-T. GRCh37 (hg19) VCF-style: chr14-23313596-G-T.
Other names: short protein forms R343L.
Identifiers: ClinVar variation 1354793 (VCV001354793.8), dbSNP rs367667276, ClinGen allele CA7105349.

ClinVar aggregate classification (germline): Uncertain significance (1 of 4 stars; one submission).

Allele frequency attached by ClinVar (database versions not stated): ExAC 0.00001; ESP Exome Variant Server 0.00008.
gnomAD v4.1: 6 of 1,613,964 alleles (0.00037%); highest among the groups gnomAD compares: Non-Finnish European, 0.00051%; no homozygotes.

Submission:

Labcorp Genetics (formerly Invitae), Labcorp
Classification: Uncertain significance. Last evaluated: 2025-04-21. Review status: criteria provided, single submitter. Criteria: Invitae Variant Classification Sherloc (09022015). Collection method: clinical testing. Allele origin: germline.
Comment: This sequence change replaces arginine, which is basic and polar, with leucine, which is neutral and non-polar, at codon 343 of the MMP14 protein (p.Arg343Leu). This variant is present in population databases (rs367667276, gnomAD 0.003%). This variant has not been reported in the literature in individuals affected with MMP14-related conditions. ClinVar contains an entry for this variant (Variation ID: 1354793). Invitae Evidence Modeling of protein sequence and biophysical properties (such as structural, functional, and spatial information, amino acid conservation, physicochemical variation, residue mobility, and thermodynamic stability) has been performed for this missense variant. However, the output from this modeling did not meet the statistical confidence thresholds required to predict the impact of this variant on MMP14 protein function. In summary, the available evidence is currently insufficient to determine the role of this variant in disease. Therefore, it has been classified as a Variant of Uncertain Significance.